The following is an entry in ClinVar:

NM_178452.6(DNAAF1):c.124+6G>A

Gene: DNAAF1 (dynein axonemal assembly factor 1; plus strand). Cytogenetic location: 16q24.1.
Variant type: single nucleotide variant.
Coding change: c.124+6G>A on transcript NM_178452.6 (MANE Select); 6 bases into the intron after coding-DNA position 124, G replaced by A.
Molecular consequence: intron variant.
Genome position (GRCh38, 1-based): chr16:84,145,570, G>A. VCF-style: chr16-84145570-G-A. GRCh37 (hg19) VCF-style: chr16-84179175-G-A.
Identifiers: ClinVar variation 947378 (VCV000947378.2), dbSNP rs1479123454, ClinGen allele CA623845131.

ClinVar aggregate classification (germline): Uncertain significance. Review status: criteria provided, multiple submitters, no conflicts (2 of 4 stars). 2 submissions from 2 submitters: Uncertain significance (2). Last evaluated 2021-12-23.

Conditions:
Primary ciliary dyskinesia. Also called: Ciliary dyskinesia. Identifiers: Orphanet 244, MedGen C0008780, MONDO:0016575, HP:0012265.

Submissions (2):

Blueprint Genetics
Classification: Uncertain significance. Last evaluated: 2021-12-23. Review status: criteria provided, single submitter. Criteria: ACMG Guidelines, 2015. Collection method: clinical testing. Allele origin: germline.

Labcorp Genetics (formerly Invitae), Labcorp
Classification: Uncertain significance for Primary ciliary dyskinesia. Last evaluated: 2019-06-07. Review status: criteria provided, single submitter. Criteria: Invitae Variant Classification Sherloc (09022015). Collection method: clinical testing. Allele origin: germline.
Comment: This sequence change falls in intron 1 of the DNAAF1 gene. It does not directly change the encoded amino acid sequence of the DNAAF1 protein, but it affects a nucleotide within the consensus splice site of the intron. This variant is not present in population databases (ExAC no frequency). This variant has not been reported in the literature in individuals with DNAAF1-related conditions. Nucleotide substitutions within the consensus splice site are a relatively common cause of aberrant splicing (PMID: 17576681, 9536098). Algorithms developed to predict the effect of sequence changes on RNA splicing suggest that this variant may disrupt the consensus splice site, but this prediction has not been confirmed by published transcriptional studies. In summary, the available evidence is currently insufficient to determine the role of this variant in disease. Therefore, it has been classified as a Variant of Uncertain Significance.